The following is an entry in ClinVar:

NM_000202.8(IDS):c.1352C>T (p.Pro451Leu)

Gene: IDS (iduronate 2-sulfatase; minus strand). Cytogenetic location: Xq28.
Variant type: single nucleotide variant.
Coding change: c.1352C>T on transcript NM_000202.8 (MANE Select); coding-DNA position 1352, C replaced by T.
Protein change: p.Pro451Leu; replaces proline 451 with leucine.
Molecular consequence: missense variant.
Genome position (GRCh38, 1-based): chrX:149,483,047, G>A on the plus strand (C>T on the coding strand, the complement: IDS is on the minus strand). VCF-style: chrX-149483047-G-A. GRCh37 (hg19) VCF-style: chrX-148564578-G-A.
Other names: c.1082C>T, p.Pro361Leu (NM_001166550.4); c.1352C>T (NM_000202.7); short protein forms P361L, P451L.
Identifiers: ClinVar variation 4743757 (VCV004743757.2).

ClinVar aggregate classification (germline): Uncertain significance. Review status: criteria provided, multiple submitters, no conflicts (2 of 4 stars). 2 submissions from 2 submitters: Uncertain significance (2). Last evaluated 2026-03-25.

Conditions:
IDS-related disorder. Also called: IDS-related condition.
Mucopolysaccharidosis, MPS-II (MPS2). Also called: Attenuated MPS (subtype; formerly known as mild MPS II); Severe MPS II; I2S deficiency; MPS 2; Hunter Syndrome; IDURONATE 2-SULFATASE DEFICIENCY. Identifiers: Orphanet 580, Orphanet 79388, MedGen C0026705, MONDO:0010674, OMIM 309900.

gnomAD v4.1: 19 of 1,205,910 alleles (0.0016%); highest among the groups gnomAD compares: South Asian, 0.0035%; no homozygotes.

Submissions (2):

PreventionGenetics, part of Exact Sciences
Classification: Uncertain significance for IDS-related condition. Last evaluated: 2026-03-25. Review status: criteria provided, single submitter. Criteria: ACMG Guidelines, 2015. Collection method: clinical testing. Allele origin: germline.
Comment: The IDS c.1352C>T variant is predicted to result in the amino acid substitution p.Pro451Leu. To our knowledge, this variant has not been reported in the literature. This variant is reported in 0.0067% of alleles in individuals of East Asian descent in gnomAD. At this time, the clinical significance of this variant is uncertain due to the absence of conclusive functional and genetic evidence.

Labcorp Genetics (formerly Invitae), Labcorp
Classification: Uncertain significance for Mucopolysaccharidosis, MPS-II. Last evaluated: 2025-06-03. Review status: criteria provided, single submitter. Criteria: Invitae Variant Classification Sherloc (09022015). Collection method: clinical testing. Allele origin: germline.
Comment: This sequence change replaces proline, which is neutral and non-polar, with leucine, which is neutral and non-polar, at codon 451 of the IDS protein (p.Pro451Leu). The frequency data for this variant in the population databases is considered unreliable, as metrics indicate poor data quality at this position in the gnomAD database. This variant has not been reported in the literature in individuals affected with IDS-related conditions. An algorithm developed to predict the effect of missense changes on protein structure and function outputs the following: PolyPhen-2: "Benign". The leucine amino acid residue is found in multiple mammalian species, which suggests that this missense change does not adversely affect protein function. In summary, the available evidence is currently insufficient to determine the role of this variant in disease. Therefore, it has been classified as a Variant of Uncertain Significance.